The following is an entry in ClinVar:

ClinVar aggregate classification (germline): Uncertain significance. Review status: criteria provided, multiple submitters, no conflicts (2 of 4 stars). 2 submissions from 2 submitters: Uncertain significance (2). Last evaluated 2026-01-26.

Submissions (2):

GeneDx
Classification: Uncertain significance. Last evaluated: 2026-01-26. Review status: criteria provided, single submitter. Criteria: GeneDx Variant Classification Process June 2021. Collection method: clinical testing. Allele origin: germline.
Comment: Not observed at significant frequency in large population cohorts (gnomAD); In silico analysis suggests that this missense variant does not alter protein structure/function; Has not been previously published as pathogenic or benign to our knowledge

Labcorp Genetics (formerly Invitae), Labcorp
Classification: Uncertain significance. Last evaluated: 2024-01-25. Review status: criteria provided, single submitter. Criteria: Invitae Variant Classification Sherloc (09022015). Collection method: clinical testing. Allele origin: germline.
Comment: This sequence change replaces methionine, which is neutral and non-polar, with arginine, which is basic and polar, at codon 302 of the TSPAN12 protein (p.Met302Arg). This variant is not present in population databases (gnomAD no frequency). This variant has not been reported in the literature in individuals affected with TSPAN12-related conditions. An algorithm developed to predict the effect of missense changes on protein structure and function (PolyPhen-2) suggests that this variant is likely to be tolerated. In summary, the available evidence is currently insufficient to determine the role of this variant in disease. Therefore, it has been classified as a Variant of Uncertain Significance.

NM_012338.4(TSPAN12):c.905T>G (p.Met302Arg)

Gene: TSPAN12 (tetraspanin 12; minus strand). Cytogenetic location: 7q31.31.
Variant type: single nucleotide variant.
Coding change: c.905T>G on transcript NM_012338.4 (MANE Select); coding-DNA position 905, T replaced by G.
Protein change: p.Met302Arg; replaces methionine 302 with arginine.
Molecular consequence: missense variant.
Genome position (GRCh38, 1-based): chr7:120,788,605, A>C on the plus strand (T>G on the coding strand, the complement: TSPAN12 is on the minus strand). VCF-style: chr7-120788605-A-C. GRCh37 (hg19) VCF-style: chr7-120428659-A-C.
Other names: c.905T>G (NM_012338.3); short protein forms M302R.
Identifiers: ClinVar variation 2709979 (VCV002709979.5), dbSNP rs2485287086, ClinGen allele CA369133177.